The following is an entry in ClinVar:

ClinVar aggregate classification (germline): Uncertain significance. Review status: criteria provided, multiple submitters, no conflicts (2 of 4 stars). 2 submissions from 2 submitters: Uncertain significance (2). Last evaluated 2021-11-04.

Conditions:
Arterial calcification, generalized, of infancy, 1 (GACI1). Also called: Idiopathic Infantile Arterial Calcification. Identifiers: Orphanet 51608, MedGen C4551985, MONDO:0008817, OMIM 208000.
Type 2 diabetes mellitus. Also called: Type II diabetes mellitus. Identifiers: MedGen C0011860, MeSH D003924, MONDO:0005148, OMIM 125853, HP:0005978.
Hypopigmentation-punctate palmoplantar keratoderma syndrome. Also called: GUTTATE HYPOPIGMENTATION AND PUNCTATE PALMOPLANTAR KERATODERMA WITH OR WITHOUT ECTOPIC CALCIFICATION; Cole disease. Identifiers: Orphanet 324561, MedGen C3809781, MONDO:0014227, OMIM 615522.
Hypophosphatemic rickets, autosomal recessive, 2 (ARHR2). Identifiers: Orphanet 289176, MedGen C2750078, MONDO:0013219, OMIM 613312.
Obesity. Also called: Obesity disorder. Identifiers: Orphanet 71529, MedGen C0028754, MeSH D009765, MONDO:0011122, HP:0001513.

Allele frequency attached by ClinVar (database versions not stated): gnomAD exomes 0.00001 and below 0.00001; gnomAD 0.00001; TOPMed 0.00001; ExAC 0.00001.
gnomAD v4.1: 4 of 1,607,122 alleles (0.00025%); highest among the groups gnomAD compares: Admixed American, 0.0033%; no homozygotes.

Submissions (2):

Labcorp Genetics (formerly Invitae), Labcorp
Classification: Uncertain significance. Last evaluated: 2021-11-04. Review status: criteria provided, single submitter. Criteria: Invitae Variant Classification Sherloc (09022015). Collection method: clinical testing. Allele origin: germline.
Comment: In summary, the available evidence is currently insufficient to determine the role of this variant in disease. Therefore, it has been classified as a Variant of Uncertain Significance. Algorithms developed to predict the effect of missense changes on protein structure and function output the following: SIFT: "Tolerated"; PolyPhen-2: "Benign"; Align-GVGD: "Class C0". The aspartic acid amino acid residue is found in multiple mammalian species, which suggests that this missense change does not adversely affect protein function. This variant has not been reported in the literature in individuals affected with ENPP1-related conditions. This variant is present in population databases (rs766617922, gnomAD 0.009%). This sequence change replaces asparagine, which is neutral and polar, with aspartic acid, which is acidic and polar, at codon 199 of the ENPP1 protein (p.Asn199Asp).

Fulgent Genetics
Classification: Uncertain significance for Type 2 diabetes mellitus; Arterial calcification, generalized, of infancy, 1; Inherited obesity; Hypophosphatemic rickets, autosomal recessive, 2; Hypopigmentation-punctate palmoplantar keratoderma syndrome. Last evaluated: 2021-10-27. Review status: criteria provided, single submitter. Criteria: ACMG Guidelines, 2015. Collection method: clinical testing. Allele origin: unknown.

NM_006208.3(ENPP1):c.595A>G (p.Asn199Asp)

Gene: ENPP1 (ectonucleotide pyrophosphatase/phosphodiesterase 1; plus strand). Cytogenetic location: 6q23.2.
Variant type: single nucleotide variant.
Coding change: c.595A>G on transcript NM_006208.3 (MANE Select); coding-DNA position 595, A replaced by G.
Protein change: p.Asn199Asp; replaces asparagine 199 with aspartic acid.
Molecular consequence: missense variant.
Genome position (GRCh38, 1-based): chr6:131,852,213, A>G. VCF-style: chr6-131852213-A-G. GRCh37 (hg19) VCF-style: chr6-132173353-A-G.
Other names: short protein forms N199D.
Identifiers: ClinVar variation 1409337 (VCV001409337.7), dbSNP rs766617922, ClinGen allele CA4001953.
Genomic context (GRCh38, chr6:131,852,213, plus strand): 5'-TATTTTCTTGAAAATATTTTAGGTGAGAAAAGTTGGGTAGAAGAACCATGTGAGAGCATT[A>G]ATGAGCCACAGTGCCCAGCAGGGTAAGATTATATTCTGAGGTATTAATTTTTTCTTTTTT-3'
Protein context (NP_006199.2, residues 189-209): SWVEEPCESI[Asn199Asp]EPQCPAGFET